The following is an entry in ClinVar:

ClinVar aggregate classification (germline): Uncertain significance (1 of 4 stars; one submission).

Allele frequency attached by ClinVar (database versions not stated): gnomAD exomes below 0.00001 and 0.00001; gnomAD 0.00001; ExAC 0.00002.
gnomAD v4.1: 8 of 1,614,070 alleles (0.0005%); highest among the groups gnomAD compares: Non-Finnish European, 0.00059%; no homozygotes.

Submission:

Labcorp Genetics (formerly Invitae), Labcorp
Classification: Uncertain significance. Last evaluated: 2022-08-09. Review status: criteria provided, single submitter. Criteria: Invitae Variant Classification Sherloc (09022015). Collection method: clinical testing. Allele origin: germline.
Comment: This sequence change replaces valine, which is neutral and non-polar, with glycine, which is neutral and non-polar, at codon 521 of the ASNS protein (p.Val521Gly). This variant is present in population databases (rs746606098, gnomAD 0.003%). This variant has not been reported in the literature in individuals affected with ASNS-related conditions. ClinVar contains an entry for this variant (Variation ID: 1521393). Advanced modeling of protein sequence and biophysical properties (such as structural, functional, and spatial information, amino acid conservation, physicochemical variation, residue mobility, and thermodynamic stability) performed at Invitae indicates that this missense variant is expected to disrupt ASNS protein function. In summary, the available evidence is currently insufficient to determine the role of this variant in disease. Therefore, it has been classified as a Variant of Uncertain Significance.

NM_001673.5(ASNS):c.1562T>G (p.Val521Gly)

Genes: ASNS (asparagine synthetase (glutamine-hydrolyzing); minus strand), CZ1P-ASNS (CZ1P-ASNS readthrough; minus strand). Cytogenetic location: 7q21.3.
Variant type: single nucleotide variant.
Coding change: c.1562T>G on transcript NM_001673.5 (MANE Select); coding-DNA position 1562, T replaced by G.
Protein change: p.Val521Gly; replaces valine 521 with glycine.
Molecular consequence: missense variant. On other transcripts: non-coding transcript variant (1).
Genome position (GRCh38, 1-based): chr7:97,852,383, A>C on the plus strand (T>G on the coding strand, the complement: ASNS is on the minus strand). VCF-style: chr7-97852383-A-C. GRCh37 (hg19) VCF-style: chr7-97481695-A-C.
Other names: c.1499T>G, p.Val500Gly (NM_001178075.2); c.1313T>G, p.Val438Gly (NM_001178076.2, NM_001178077.1); c.1562T>G, p.Val521Gly (NM_001352496.2, NM_133436.3, NM_183356.4); short protein forms V521G, V500G, V438G.
Identifiers: ClinVar variation 1521393 (VCV001521393.3), dbSNP rs746606098, ClinGen allele CA4354476.